The following is an entry in ClinVar:

NM_000155.4(GALT):c.833T>A (p.Ile278Asn)

Gene: GALT (galactose-1-phosphate uridylyltransferase; plus strand). Cytogenetic location: 9p13.3.
Variant type: single nucleotide variant.
Coding change: c.833T>A on transcript NM_000155.4 (MANE Select); coding-DNA position 833, T replaced by A.
Protein change: p.Ile278Asn; replaces isoleucine 278 with asparagine.
Molecular consequence: missense variant.
Genome position (GRCh38, 1-based): chr9:34,649,010, T>A. VCF-style: chr9-34649010-T-A. GRCh37 (hg19) VCF-style: chr9-34649007-T-A.
Other names: c.506T>A, p.Ile169Asn (NM_001258332.2); c.833T>A (NM_000155.3); short protein forms I169N.
Identifiers: ClinVar variation 4817645 (VCV004817645.1), dbSNP rs111033778.

ClinVar aggregate classification (germline): Likely pathogenic (1 of 4 stars; one submission).

Conditions:
Galactosemia. Also called: Galactose intolerance. Identifiers: Orphanet 352, MedGen C0016952, MONDO:0018116, HP:0004919. Disease mechanism: loss of function.

gnomAD v4.1: 1 of 1,614,106 alleles (0.000062%); highest among the groups gnomAD compares: Non-Finnish European, 0.000085%; no homozygotes.

Submission:

Natera, Inc.
Classification: Likely pathogenic for Galactosemia. Last evaluated: 2025-04-14. Review status: criteria provided, single submitter. Criteria: Natera Variant Classification Schema (03/2026). Collection method: clinical testing. Allele origin: germline.
Comment: The c.833T>A variant in GALT is a missense variant predicted to cause substitution of isoleucine to asparagine at amino acid 278. This variant is rare in the general population with a frequency below the threshold expected for the associated phenotype(s). This variant has been observed in one or more individuals affected with the associated recessive disease, as either homozygous or compound heterozygous with a second variant (PMID: 29350350). This variant has been identified in one or more affected individuals with a phenotype highly consistent with the associated gene (PMID: 29350350). Computational prediction algorithms indicate this variant is likely to affect gene or protein function. Given the available evidence, this variant is classified as Likely Pathogenic.

Literature cited by the submitters: PubMed 29350350.